The following is an entry in ClinVar:

ClinVar aggregate classification (germline): Likely pathogenic (1 of 4 stars; one submission).

Conditions:
Spondylocostal dysostosis 2, autosomal recessive (SCDO2). Also called: MESP2-Related Spondylocostal Dysostosis, Autosomal Recessive; Spondylocostal dysostosis type 2. Identifiers: Orphanet 2311, MedGen C1837549, MONDO:0012097, OMIM 608681.

Submission:

Natera, Inc.
Classification: Likely pathogenic for Spondylocostal dysostosis type 2. Last evaluated: 2025-04-22. Review status: criteria provided, single submitter. Criteria: Natera Variant Classification Schema (03/2026). Collection method: clinical testing. Allele origin: germline.
Comment: The c.555_561del variant in MESP2 is a frameshift variant predicted to elongate the protein beyond the termination codon. This variant is expected to result in nonsense mediated decay, truncation, or a dysfunctional protein product. This variant is rare in the general population with a frequency below the threshold expected for the associated phenotype(s). Given the available evidence, this variant is classified as Likely Pathogenic.

NM_001039958.2(MESP2):c.555_561del (p.Gln186fs)

Gene: MESP2 (mesoderm posterior bHLH transcription factor 2; plus strand). Cytogenetic location: 15q26.1.
Variant type: Deletion.
Coding change: c.555_561del on transcript NM_001039958.2 (MANE Select); coding-DNA positions 555 to 561, 7 bases deleted (GCAGGGG; older notation c.555_561delGCAGGGG).
Protein change: p.Gln186fs; shifts the reading frame from glutamine 186.
Molecular consequence: frameshift variant.
Genome position (GRCh38, 1-based): chr15:89,776,912-89,776,918, GCAGGGG deleted; deleting any 7 consecutive bases within chr15:89,776,909-89,776,918 gives the same sequence; the c. name uses the placement nearest the transcript's 3' end. VCF-style (leftmost placement, unchanged base first): chr15-89776908-AGGGGCAG-A. GRCh37 (hg19) VCF-style: chr15-90320139-AGGGGCAG-A.
Other names: short protein forms Q186fs.
Identifiers: ClinVar variation 4057650 (VCV004057650.2).